The following is an entry in ClinVar:

NM_000020.3(ACVRL1):c.1054G>A (p.Ala352Thr)

Gene: ACVRL1 (activin A receptor like type 1; plus strand). Cytogenetic location: 12q13.13.
Variant type: single nucleotide variant.
Coding change: c.1054G>A on transcript NM_000020.3 (MANE Select); coding-DNA position 1054, G replaced by A.
Protein change: p.Ala352Thr; replaces alanine 352 with threonine.
Molecular consequence: missense variant.
Genome position (GRCh38, 1-based): chr12:51,916,041, G>A. VCF-style: chr12-51916041-G-A. GRCh37 (hg19) VCF-style: chr12-52309825-G-A.
Other names: c.1054G>A, p.Ala352Thr (NM_001077401.2, NM_001406487.1, NM_001406488.1 and 1 more transcripts); c.742G>A, p.Ala248Thr (NM_001406490.1, NM_001406491.1, NM_001406492.1 and 1 more transcripts); c.490G>A, p.Ala164Thr (NM_001406495.1); short protein forms A248T, A352T, A164T.
Identifiers: ClinVar variation 1778174 (VCV001778174.2), dbSNP rs2540166229, ClinGen allele CA384901975.
Genomic context (GRCh38, chr12:51,916,041, plus strand): 5'-CCCCTGGATCCCAGGTTTGGGAGAGGGGCAGGAGTGACAGGCCTCACCCCCACAGGCCTG[G>A]CTGTGATGCACTCACAGGGCAGCGATTACCTGGACATCGGCAACAACCCGAGAGTGGGCA-3'
Protein context (NP_000011.2, residues 342-362): LQCCIADLGL[Ala352Thr]VMHSQGSDYL

ClinVar aggregate classification (germline): Uncertain significance (1 of 4 stars; one submission).

Conditions:
Cardiovascular phenotype. Identifiers: MedGen CN230736.

Submission:

Ambry Genetics
Classification: Uncertain significance for Cardiovascular phenotype. Last evaluated: 2016-09-22. Review status: criteria provided, single submitter. Criteria: Ambry Variant Classification Scheme 2023. Collection method: clinical testing. Allele origin: germline.
Comment: The p.A352T variant (also known as c.1054G>A), located in coding exon 7 of the ACVRL1 gene, results from a G to A substitution at nucleotide position 1054. The alanine at codon 352 is replaced by threonine, an amino acid with similar properties. This variant was not reported in population based cohorts in the following databases: Database of Single Nucleotide Polymorphisms (dbSNP), NHLBI Exome Sequencing Project (ESP), and 1000 Genomes Project. In the ESP, this variant was not observed in 6503 samples (13006 alleles) with coverage at this position. This amino acid position is highly conserved in available vertebrate species. In addition, this alteration is predicted to be deleterious by in silico analysis. Alterations at the same amino acid position, p.A352D (Prigoda NL et al. J. Med. Genet., 2006 Sep;43:722-8) and p.A352P (Olivieri C et al. J. Med. Genet., 2002 Jul;39:E39), were reported in individuals presented with symptoms of hereditary hemorrhagic telangiectasia. Since supporting evidence is limited at this time, the clinical significance of this alteration remains unclear.

Literature cited by the submitters: PubMed 12114496; PubMed 16690726.